The following is an entry in ClinVar:

ClinVar aggregate classification (germline): Conflicting classifications of pathogenicity. Review status: criteria provided, conflicting classifications (1 of 4 stars). 4 submissions from 4 submitters: Uncertain significance (3); Likely benign (1). Last evaluated 2025-07-02.

Conditions:
Cardiovascular phenotype. Identifiers: MedGen CN230736.
Dilated cardiomyopathy 1JJ (CMD1JJ). Identifiers: Orphanet 154, MedGen C3808935, MONDO:0014095, OMIM 615235.

Allele frequency attached by ClinVar (database versions not stated): gnomAD exomes below 0.00001; ExAC 0.00001; TOPMed 0.00003; gnomAD 0.00004.
gnomAD v4.1: 73 of 1,613,778 alleles (0.0045%); highest among the groups gnomAD compares: Non-Finnish European, 0.0057%; no homozygotes.

Submissions (4):

Labcorp Genetics (formerly Invitae), Labcorp
Classification: Uncertain significance for Dilated cardiomyopathy 1JJ. Last evaluated: 2025-07-02. Review status: criteria provided, single submitter. Criteria: Invitae Variant Classification Sherloc (09022015). Collection method: clinical testing. Allele origin: germline.
Comment: This sequence change replaces histidine, which is basic and polar, with tyrosine, which is neutral and polar, at codon 138 of the LAMA4 protein (p.His138Tyr). This variant is present in population databases (rs727503113, gnomAD 0.002%). This variant has not been reported in the literature in individuals affected with LAMA4-related conditions. ClinVar contains an entry for this variant (Variation ID: 163796). An algorithm developed to predict the effect of missense changes on protein structure and function outputs the following: PolyPhen-2: "Benign". The tyrosine amino acid residue is found in multiple mammalian species, which suggests that this missense change does not adversely affect protein function. In summary, the available evidence is currently insufficient to determine the role of this variant in disease. Therefore, it has been classified as a Variant of Uncertain Significance.

Ambry Genetics
Classification: Uncertain significance for Cardiovascular phenotype. Last evaluated: 2023-04-30. Review status: criteria provided, single submitter. Criteria: Ambry Variant Classification Scheme 2023. Collection method: clinical testing. Allele origin: germline.
Comment: The p.H138Y variant (also known as c.412C>T), located in coding exon 3 of the LAMA4 gene, results from a C to T substitution at nucleotide position 412. The histidine at codon 138 is replaced by tyrosine, an amino acid with similar properties. This amino acid position is well conserved in available vertebrate species; however, tyrosine is the reference amino acid in other vertebrate species. In addition, this alteration is predicted to be tolerated by in silico analysis. Since supporting evidence is limited at this time, the clinical significance of this alteration remains unclear.

GeneDx
Classification: Uncertain significance. Last evaluated: 2023-03-07. Review status: criteria provided, single submitter. Criteria: GeneDx Variant Classification Process June 2021. Collection method: clinical testing. Allele origin: germline. Affected: yes.
Comment: Identified in a patient with HCM in published literature (Burstein et al., 2021); this patient harbored additional cardiogenetic variants; Not observed at a significant frequency in large population cohorts (gnomAD); In silico analysis, which includes protein predictors and evolutionary conservation, supports that this variant does not alter protein structure/function; This variant is associated with the following publications: (PMID: 32746448)

Laboratory for Molecular Medicine, Mass General Brigham Personalized Medicine
Classification: Likely benign. Last evaluated: 2014-01-31. Review status: criteria provided, single submitter. Criteria: LMM Criteria. Collection method: clinical testing. Allele origin: germline. Observed: 1 variant allele.
Comment: His138Tyr in exon 4 of LAMA4: This variant is not expected to have clinical sign ificance due to a lack of conservation across species, including mammals. Of not e, multiple mammals have a tyrosine (Tyr) at this position despite high nearby a mino acid conservation. In addition, computational analyses (AlignGVGD, PolyPhen 2, SIFT) do not suggest a high likelihood of impact to the protein.

NM_001105206.3(LAMA4):c.412C>T (p.His138Tyr)

Gene: LAMA4 (laminin subunit alpha 4; minus strand). Cytogenetic location: 6q21.
Variant type: single nucleotide variant.
Coding change: c.412C>T on transcript NM_001105206.3 (MANE Select); coding-DNA position 412, C replaced by T.
Protein change: p.His138Tyr; replaces histidine 138 with tyrosine.
Molecular consequence: missense variant.
Genome position (GRCh38, 1-based): chr6:112,207,031, G>A on the plus strand (C>T on the coding strand, the complement: LAMA4 is on the minus strand). VCF-style: chr6-112207031-G-A. GRCh37 (hg19) VCF-style: chr6-112528232-G-A.
Other names: c.412C>T, p.His138Tyr (NM_001105207.3, NM_002290.5); short protein forms H138Y.
Identifiers: ClinVar variation 163796 (VCV000163796.19), dbSNP rs727503113, ClinGen allele CA176506.